The following is an entry in ClinVar:

NM_001387430.1(SH2B1):c.416C>T (p.Ser139Phe)

Gene: SH2B1 (SH2B adaptor protein 1; plus strand). Cytogenetic location: 16p11.2.
Variant type: single nucleotide variant.
Coding change: c.416C>T on transcript NM_001387430.1 (MANE Select); coding-DNA position 416, C replaced by T.
Protein change: p.Ser139Phe; replaces serine 139 with phenylalanine.
Molecular consequence: missense variant. On other transcripts: intron variant (1).
Genome position (GRCh38, 1-based): chr16:28,866,510, C>T. VCF-style: chr16-28866510-C-T. GRCh37 (hg19) VCF-style: chr16-28877831-C-T.
Other names: c.416C>T, p.Ser139Phe (NM_001145795.2, NM_001145796.2, NM_001145797.2 and 4 more transcripts); c.-26-864C>T (NM_001308294.2); short protein forms S139F.
Identifiers: ClinVar variation 2503236 (VCV002503236.1), dbSNP rs151165842, ClinGen allele CA279250489.

ClinVar aggregate classification (germline): Uncertain significance (1 of 4 stars; one submission).

Allele frequency attached by ClinVar (database versions not stated): gnomAD exomes below 0.00001; TOPMed 0.00003; ESP Exome Variant Server 0.00008.
gnomAD v4.1: 2 of 1,614,086 alleles (0.00012%); highest among the groups gnomAD compares: Non-Finnish European, 0.00017%; no homozygotes.

Submission:

GeneDx
Classification: Uncertain significance. Last evaluated: 2022-11-25. Review status: criteria provided, single submitter. Criteria: GeneDx Variant Classification Process June 2021. Collection method: clinical testing. Allele origin: germline. Affected: yes.
Comment: Not observed at significant frequency in large population cohorts (gnomAD); In silico analysis supports that this missense variant does not alter protein structure/function; Has not been previously published as pathogenic or benign to our knowledge